The following is an entry in ClinVar:

ClinVar aggregate classification (germline): Uncertain significance (1 of 4 stars; one submission).

Conditions:
Neurofibromatosis, type 1 (NF1). Also called: NEUROFIBROMATOSIS, TYPE I, SOMATIC; VON RECKLINGHAUSEN DISEASE; Peripheral type neurofibromatosis; Neurofibromatosis, type I. Identifiers: Orphanet 636, MedGen C0027831, MONDO:0018975, OMIM 162200. Disease mechanism: loss of function.

Submission:

Labcorp Genetics (formerly Invitae), Labcorp
Classification: Uncertain significance for Neurofibromatosis, type 1. Last evaluated: 2021-02-02. Review status: criteria provided, single submitter. Criteria: Invitae Variant Classification Sherloc (09022015). Collection method: clinical testing. Allele origin: germline.
Comment: This sequence change replaces lysine with glutamine at codon 893 of the NF1 protein (p.Lys893Gln). The lysine residue is moderately conserved and there is a small physicochemical difference between lysine and glutamine. In summary, the available evidence is currently insufficient to determine the role of this variant in disease. Therefore, it has been classified as a Variant of Uncertain Significance. Advanced modeling of protein sequence and biophysical properties (such as structural, functional, and spatial information, amino acid conservation, physicochemical variation, residue mobility, and thermodynamic stability) performed at Invitae indicates that this missense variant is not expected to disrupt NF1 protein function. This variant has not been reported in the literature in individuals with NF1-related conditions. This variant is not present in population databases (ExAC no frequency).

NM_001042492.3(NF1):c.2677A>C (p.Lys893Gln)

Gene: NF1 (neurofibromin 1; plus strand). Cytogenetic location: 17q11.2.
Variant type: single nucleotide variant.
Coding change: c.2677A>C on transcript NM_001042492.3 (MANE Select); coding-DNA position 2677, A replaced by C.
Protein change: p.Lys893Gln; replaces lysine 893 with glutamine.
Molecular consequence: missense variant.
Genome position (GRCh38, 1-based): chr17:31,229,292, A>C. VCF-style: chr17-31229292-A-C. GRCh37 (hg19) VCF-style: chr17-29556310-A-C.
Other names: c.2677A>C, p.Lys893Gln (NM_000267.4); short protein forms K893Q.
Identifiers: ClinVar variation 1468118 (VCV001468118.8), dbSNP rs2151429419, ClinGen allele CA398984882.
Genomic context (GRCh38, chr17:31,229,292, plus strand): 5'-CGTAAGGGTTCTATGATTTCAGTGATGTCTTCAGAGGGAAACGCAGATACACCTGTCAGC[A>C]AATTTATGGATCGGCTGTTGTCCTTAATGGTGTGTAACCATGAGAAAGTGGGACTTCAAA-3'
Protein context (NP_001035957.1, residues 883-903): SEGNADTPVS[Lys893Gln]FMDRLLSLMV